The following is an entry in ClinVar:

ClinVar aggregate classification (germline): Likely benign. Review status: criteria provided, single submitter (1 of 4 stars). 2 submissions from 2 submitters: Likely benign (1). 1 of the submissions does not count toward it. Last evaluated 2023-12-29.

Conditions:
VPS13B-related disorder. Also called: VPS13B-related condition.

Submissions (2):

Blueprint Genetics
Classification: Likely benign. Last evaluated: 2023-12-29. Review status: criteria provided, single submitter. Criteria: ACMG Guidelines, 2015. Collection method: clinical testing. Allele origin: germline.

PreventionGenetics, part of Exact Sciences
Classification: Uncertain significance for VPS13B-related condition. Last evaluated: 2023-12-05. Review status: no assertion criteria provided. Collection method: clinical testing. Allele origin: germline. Not counted in ClinVar's aggregate classification.
Comment: The VPS13B c.2531A>G variant is predicted to result in the amino acid substitution p.Tyr844Cys. To our knowledge, this variant has not been reported in the literature or in a large population database, indicating this variant is rare. At this time, the clinical significance of this variant is uncertain due to the absence of conclusive functional and genetic evidence.

NM_152564.5(VPS13B):c.2515+16550A>G

Gene: VPS13B (vacuolar protein sorting 13 homolog B; plus strand). Cytogenetic location: 8q22.2.
Variant type: single nucleotide variant.
Coding change: c.2515+16550A>G on transcript NM_152564.5 (MANE Select); 16550 bases into the intron after coding-DNA position 2515, A replaced by G.
Molecular consequence: intron variant. On other transcripts: missense variant (1).
Genome position (GRCh38, 1-based): chr8:99,209,607, A>G. VCF-style: chr8-99209607-A-G. GRCh37 (hg19) VCF-style: chr8-100221835-A-G.
Other names: c.2531A>G, p.Tyr844Cys (NM_015243.3); c.2515+16550A>G (NM_017890.5); short protein forms Y844C.
Identifiers: ClinVar variation 3351308 (VCV003351308.2).
Genomic context (GRCh38, chr8:99,209,607, plus strand): 5'-ATGAATTATTTTAATAACAATTTTTTTTTTTTTTTTACTTTGTAGAGATTGGGTCTTGCT[A>G]TGTTGCCCAGGTTGATCTTGAACTCCTGGCCTCAAATGATCCTCCCACCTCAACCTCCTG-3'